The following is an entry in ClinVar:

ClinVar aggregate classification (germline): Uncertain significance (1 of 4 stars; one submission).

Conditions:
Susceptibility to respiratory infections associated with CD8alpha chain mutation (IMD116). Also called: Cd8 deficiency, familial; IMMUNODEFICIENCY 116. Identifiers: Orphanet 169085, MedGen C1837065, MONDO:0012161, OMIM 608957.

Submission:

Labcorp Genetics (formerly Invitae), Labcorp
Classification: Uncertain significance for Susceptibility to respiratory infections associated with CD8alpha chain mutation. Last evaluated: 2018-12-25. Review status: criteria provided, single submitter. Criteria: Invitae Variant Classification Sherloc (09022015). Collection method: clinical testing. Allele origin: germline.
Comment: This variant has not been reported in the literature in individuals with CD8A-related conditions. This variant is not present in population databases (ExAC no frequency). This variant, c.367_370delinsCTGAGCA, is a complex sequence change that results in the substitution of two amino acids and insertion of one amino acid of the CD8A protein (p.Met123_Tyr124delinsLeuSerAsn). Experimental studies and prediction algorithms are not available for this variant, and the functional significance of the affected amino acid(s) is currently unknown. In summary, the available evidence is currently insufficient to determine the role of this variant in disease. Therefore, it has been classified as a Variant of Uncertain Significance.

NM_001768.7(CD8A):c.367_370delinsCTGAGCA (p.Met123_Tyr124delinsLeuSerAsn)

Gene: CD8A (CD8 subunit alpha; minus strand). Cytogenetic location: 2p11.2.
Variant type: Indel.
Coding change: c.367_370delinsCTGAGCA on transcript NM_001768.7 (MANE Select); coding-DNA positions 367 to 370, ATGT replaced by CTGAGCA.
Protein change: p.Met123_Tyr124delinsLeuSerAsn.
Molecular consequence: inframe indel. On other transcripts: non-coding transcript variant (3).
Genome position (GRCh38, 1-based): chr2:86,790,361-86,790,364, ACAT replaced by TGCTCAG on the plus strand (ATGT replaced by CTGAGCA on the coding strand, the reverse complement: CD8A is on the minus strand). VCF-style: chr2-86790361-ACAT-TGCTCAG. GRCh37 (hg19) VCF-style: chr2-87017484-ACAT-TGCTCAG.
Other names: c.367_370delinsCTGAGCA, p.Met123_Tyr124delinsLeuSerAsn (NM_001145873.1, NM_001382698.1, NM_171827.4).
Identifiers: ClinVar variation 649582 (VCV000649582.6), dbSNP rs1573461179, ClinGen allele CA915944071.